The following is an entry in ClinVar:

ClinVar aggregate classification (germline): Conflicting classifications of pathogenicity. Review status: criteria provided, conflicting classifications (1 of 4 stars). 13 submissions from 13 submitters: Uncertain significance (1); Benign (2); Likely benign (6). 4 of the submissions do not count toward it. Last evaluated 2026-03-01.

Conditions:
Spastic paraplegia. Identifiers: MedGen C0037772, HP:0001258.
Hereditary spastic paraplegia 15 (SPG15). Also called: KJELLIN SYNDROME; SPASTIC PARAPLEGIA AND RETINAL DEGENERATION; SPASTIC PARAPLEGIA 15, AUTOSOMAL RECESSIVE. Identifiers: Orphanet 100996, MedGen C1849128, MONDO:0010044, OMIM 270700.
Hereditary spastic paraplegia. Also called: Familial spastic paraparesis. Identifiers: Orphanet 685, MedGen C0037773, MONDO:0019064. Disease mechanism: loss of function.
ZFYVE26-related disorder. Also called: ZFYVE26-related condition.
Tip-toe gait. Also called: Toe walking. Identifiers: MedGen C0427144, HP:0030051.

Allele frequency attached by ClinVar (database versions not stated): 1000 Genomes Project 30x 0.00016; 1000 Genomes Project 0.00020; ESP Exome Variant Server 0.00108; gnomAD 0.00147 and 0.00149; ExAC 0.00162; TOPMed 0.00167; gnomAD exomes 0.00170.
gnomAD v4.1: 1,847 of 1,614,204 alleles (0.11%); highest among the groups gnomAD compares: Middle Eastern, 0.56%; 6 homozygotes.

Submissions (13):

CeGaT Center for Human Genetics Tuebingen
Classification: Likely benign. Last evaluated: 2026-03-01. Review status: criteria provided, single submitter. Criteria: CeGaT Center For Human Genetics Tuebingen Variant Classification Criteria Version 2. Collection method: clinical testing. Allele origin: germline. Affected: yes. Observed: 7 variant alleles.
Comment: ZFYVE26: BP4, BS2

Labcorp Genetics (formerly Invitae), Labcorp
Classification: Likely benign for Spastic paraplegia. Last evaluated: 2026-01-28. Review status: criteria provided, single submitter. Criteria: Invitae Variant Classification Sherloc (09022015). Collection method: clinical testing. Allele origin: germline.

Athena Diagnostics
Classification: Benign. Last evaluated: 2025-09-17. Review status: criteria provided, single submitter. Criteria: Athena Diagnostics Criteria. Collection method: clinical testing. Allele origin: unknown.
Comment: The frequency of this variant in the general population is higher than would generally be expected for pathogenic variants in this gene.

Blueprint Genetics
Classification: Likely benign. Last evaluated: 2024-10-29. Review status: criteria provided, single submitter. Criteria: ACMG Guidelines, 2015. Collection method: clinical testing. Allele origin: germline.

Mayo Clinic Laboratories, Mayo Clinic
Classification: Benign. Last evaluated: 2023-11-15. Review status: criteria provided, single submitter. Criteria: ACMG Guidelines, 2015. Collection method: clinical testing. Allele origin: germline. Observed: 6 variant alleles.
Comment: BS1, BS2, BP4

Women's Health and Genetics/Laboratory Corporation of America, LabCorp
Classification: Likely benign. Last evaluated: 2023-02-13. Review status: criteria provided, single submitter. Criteria: LabCorp Variant Classification Summary - May 2015. Collection method: clinical testing. Allele origin: germline.
Comment: Variant summary: ZFYVE26 c.677G>A (p.Arg226His) results in a non-conservative amino acid change in the encoded protein sequence. Four of five in-silico tools predict a benign effect of the variant on protein function. The variant allele was found at a frequency of 0.0017 in 251266 control chromosomes in the gnomAD database, including 3 homozygotes. The relatively high allele frequency and the homozygous occurrences, suggest that the variant might be a benign polymorphism. The variant, c.677G>A, has been reported in the literature in heterozygous state in an individual with clinical suspicion of hereditary spastic paraplegia (Burguez_2017). This report does not provide unequivocal conclusions about association of the variant with Hereditary Spastic Paraplegia 15. To our knowledge, no experimental evidence demonstrating an impact on protein function has been reported. Six submitters have provided clinical-significance assessments for this variant in ClinVar after 2014, mostly without evidence for independent evaluation, and classified the variant as VUS (n=2), likely benign (n=3) / benign (n=1). Based on the evidence outlined above, the variant was classified as likely benign.

Genome Diagnostics Laboratory, The Hospital for Sick Children
Classification: Likely benign for Hereditary spastic paraplegia. Last evaluated: 2020-01-01. Review status: criteria provided, single submitter. Criteria: ACMG Guidelines, 2015. Collection method: clinical testing. Allele origin: germline. Affected: yes.

Illumina Laboratory Services, Illumina
Classification: Uncertain significance for Hereditary spastic paraplegia 15. Last evaluated: 2018-01-13. Review status: criteria provided, single submitter. Criteria: ICSL Variant Classification Criteria 13 December 2019. Collection method: clinical testing. Allele origin: germline.

GeneDx
Classification: Likely benign. Last evaluated: 2017-11-29. Review status: criteria provided, single submitter. Criteria: GeneDx Variant Classification (06012015). Collection method: clinical testing. Allele origin: germline. Affected: yes.
Comment: This variant is considered likely benign or benign based on one or more of the following criteria: it is a conservative change, it occurs at a poorly conserved position in the protein, it is predicted to be benign by multiple in silico algorithms, and/or has population frequency not consistent with disease.

PreventionGenetics, part of Exact Sciences
Classification: Likely benign for ZFYVE26-related condition. Last evaluated: 2019-12-18. Review status: no assertion criteria provided. Collection method: clinical testing. Allele origin: germline. Not counted in ClinVar's aggregate classification.
Comment: This variant is classified as likely benign based on ACMG/AMP sequence variant interpretation guidelines (Richards et al. 2015 PMID: 25741868, with internal and published modifications).

Clinical Genetics DNA and cytogenetics Diagnostics Lab, Erasmus MC, Erasmus Medical Center
Classification: Likely benign. Review status: no assertion criteria provided. Collection method: clinical testing. Allele origin: germline. Affected: yes. Study: VKGL Data-share Consensus. Not counted in ClinVar's aggregate classification.

Genome Diagnostics Laboratory, University Medical Center Utrecht
Classification: Likely benign. Review status: no assertion criteria provided. Collection method: clinical testing. Allele origin: germline. Affected: yes. Study: VKGL Data-share Consensus. Not counted in ClinVar's aggregate classification.

Practice for Gait Abnormalities, David Pomarino, Competency Network Toe Walking C/o Practice Pomarino
Classification: Likely pathogenic for Tip-toe gait. Review status: no assertion criteria provided. Collection method: clinical testing. Allele origin: germline. Affected: yes. Not counted in ClinVar's aggregate classification.
Comment: Hereditary motor sensory neuropathy (HMSN), also known as Charcot-Marie-Tooth Disease (CMT), is the most commonly inherited peripheral polyneuropathy. It constitutes a group of inherited, progressive, motor and sensory peripheral nerve disorders with properties of demyelination, axonal degeneration, or both. It is classified by clinical characteristics, modes of inheritance, electrophysiologic features, metabolic defects, and specific gene markers. Our patients all walk on tiptoe, so they show similar symptoms. When we genetically test them with our toe walking panel, we find that around 90 per cent of them have a genetic variant that explains their toe walking. These can be assigned, for example, to the area of myopathies (such as variants of the COL6A3 gene), the area of hereditary neuropathies (such as variants of the KMT2C gene) or the area of metabolic diseases (such as variants of the PYGM gene). In a smaller group of patients with almost identical symptoms, no abnormality is found in the genes of our panel, but spastic paraplegia can be detected. In another small group of our toe walkers, no abnormalities can be detected in the genes analysed in our toe walking panel, nor do they suffer from spastic paraplegia, as is also the case with healthy children. In contrast to these, however, they show a tiptoe gait. These patients suffer from infantile cerebral palsy, in which toe walking can also be observed.

Literature cited by the submitters: PubMed 37091313 (cited by Athena Diagnostics and Practice for Gait Abnormalities, David Pomarino, Competency Network Toe Walking C/o Practice Pomarino); PubMed 29246610 (cited by Athena Diagnostics and Women's Health and Genetics/Laboratory Corporation of America, LabCorp).

NM_015346.4(ZFYVE26):c.677G>A (p.Arg226His)

Gene: ZFYVE26 (zinc finger FYVE-type containing 26; minus strand). Cytogenetic location: 14q24.1.
Variant type: single nucleotide variant.
Coding change: c.677G>A on transcript NM_015346.4 (MANE Select); coding-DNA position 677, G replaced by A.
Protein change: p.Arg226His; replaces arginine 226 with histidine.
Molecular consequence: missense variant.
Genome position (GRCh38, 1-based): chr14:67,807,607, C>T on the plus strand (G>A on the coding strand, the complement: ZFYVE26 is on the minus strand). VCF-style: chr14-67807607-C-T. GRCh37 (hg19) VCF-style: chr14-68274324-C-T.
Other names: short protein forms R226H.
Identifiers: ClinVar variation 313924 (VCV000313924.67), dbSNP rs147919567, ClinGen allele CA7240736.